The following is an entry in ClinVar:

ClinVar aggregate classification (germline): Uncertain significance. Review status: criteria provided, single submitter (1 of 4 stars). 2 submissions from 2 submitters: Uncertain significance (1). 1 of the submissions does not count toward it. Last evaluated 2024-09-23.

Conditions:
Cardiomyopathy (CMYO). Also called: Cardiomyopathies. Identifiers: Orphanet 167848, MedGen C0878544, MONDO:0004994, HP:0001638. Inheritance: Various modes of inheritance.
MYH7-related disorder. Also called: MYH7-related condition; MYH7-related disease; MYH7-related disorders.

Submissions (2):

All of Us Research Program, National Institutes of Health
Classification: Uncertain significance for Cardiomyopathy. Last evaluated: 2024-09-23. Review status: criteria provided, single submitter. Criteria: ACMG Guidelines, 2015. Collection method: clinical testing. Allele origin: germline. Inheritance: Autosomal dominant inheritance. Observed: 1 variant allele, 1 heterozygote.
Comment: This study involves interpretation of variants in research participants for the purpose of population health screening. Participant phenotype was not available at the time of variant classification. Additional details can be found in publication PMID: 35346344, PMCID: PMC8962531

PreventionGenetics, part of Exact Sciences
Classification: Uncertain significance for MYH7-related condition. Last evaluated: 2024-03-27. Review status: no assertion criteria provided. Collection method: clinical testing. Allele origin: germline. Not counted in ClinVar's aggregate classification.
Comment: The MYH7 c.5281delG variant is predicted to result in a frameshift and premature protein termination (p.Asp1761Metfs*4). To our knowledge, this variant has not been reported in the literature or in a large population database, indicating this variant is rare. Although we suspect that this variant may be pathogenic, at this time, the clinical significance of this variant is uncertain due to the absence of conclusive functional and genetic evidence.

NM_000257.4(MYH7):c.5281del (p.Asp1761fs)

Genes: MYH7 (myosin heavy chain 7; minus strand), LOC126861897 (BRD4-independent group 4 enhancer GRCh37_chr14:23884455-23885654; plus strand). Cytogenetic location: 14q11.2.
Variant type: Deletion.
Coding change: c.5281del on transcript NM_000257.4 (MANE Select); coding-DNA position 5281, one base deleted (G; older notation c.5281delG).
Protein change: p.Asp1761fs; shifts the reading frame from aspartic acid 1761.
Molecular consequence: frameshift variant.
Genome position (GRCh38, 1-based): chr14:23,415,383, C deleted on the plus strand (G on the coding strand, the reverse complement: MYH7 is on the minus strand); the first of 2 consecutive C bases (chr14:23,415,383-23,415,384); deleting either gives the same sequence. VCF-style (leftmost placement, unchanged base first): chr14-23415382-TC-T. GRCh37 (hg19) VCF-style: chr14-23884591-TC-T.
Other names: c.5281del, p.Asp1761fs (NM_001407004.1); short protein forms D1761fs.
Identifiers: ClinVar variation 3348579 (VCV003348579.2).